The following is an entry in ClinVar:

ClinVar aggregate classification (germline): Benign/Likely benign. Review status: criteria provided, multiple submitters, no conflicts (2 of 4 stars). 9 submissions from 9 submitters: Benign (7); Likely benign (2). Last evaluated 2026-02-01.

Conditions:
Cardiovascular phenotype. Identifiers: MedGen CN230736.
Long QT syndrome (LQTS). Identifiers: MedGen C0023976, MeSH D008133, MONDO:0002442. Disease mechanism: loss of function. Inheritance: Various modes of inheritance.
Long QT syndrome 11 (LQT11). Identifiers: Orphanet 101016, Orphanet 768, MedGen C2678483, MONDO:0012738, OMIM 611820.

Allele frequency attached by ClinVar (database versions not stated): gnomAD exomes 0.00147 and 0.00369; ExAC 0.00435; 1000 Genomes Project 0.01338; ESP Exome Variant Server 0.01354; gnomAD 0.01395 and 0.01509; 1000 Genomes Project 30x 0.01405; TOPMed 0.01564.
gnomAD v4.1: 4,412 of 1,613,946 alleles (0.27%); highest among the groups gnomAD compares: African/African-American, 4.9%; 116 homozygotes.

Submissions (9):

Labcorp Genetics (formerly Invitae), Labcorp
Classification: Benign for Long QT syndrome. Last evaluated: 2026-02-01. Review status: criteria provided, single submitter. Criteria: Invitae Variant Classification Sherloc (09022015). Collection method: clinical testing. Allele origin: germline.

Genome-Nilou Lab
Classification: Benign for Long QT syndrome 11. Last evaluated: 2021-12-05. Review status: criteria provided, single submitter. Criteria: ACMG Guidelines, 2015. Collection method: clinical testing. Allele origin: germline. Affected: no.

Fulgent Genetics
Classification: Benign for Long QT syndrome 11. Last evaluated: 2021-08-11. Review status: criteria provided, single submitter. Criteria: ACMG Guidelines, 2015. Collection method: clinical testing. Allele origin: unknown.

Women's Health and Genetics/Laboratory Corporation of America, LabCorp
Classification: Benign. Last evaluated: 2019-10-15. Review status: criteria provided, single submitter. Criteria: LabCorp Variant Classification Summary - May 2015. Collection method: clinical testing. Allele origin: germline.
Comment: Variant summary: AKAP9 c.10331A>G (p.Gln3444Arg) results in a conservative amino acid change in the encoded protein sequence. Five of five in-silico tools predict a benign effect of the variant on protein function. The variant allele was found at a frequency of 0.0037 in 246960 control chromosomes, predominantly at a frequency of 0.049 within the African or African-American subpopulation in the gnomAD database, including 23 homozygotes. The observed variant frequency within African or African-American control individuals in the gnomAD database is approximately 4900-folds of the estimated maximal expected allele frequency for a pathogenic variant in AKAP9 causing Arrhythmia phenotype (1e-05), strongly suggesting that the variant is a benign polymorphism found primarily in populations of African or African-American origin. Three ClinVar submissions (evaluation after 2014) cites the variant twice as benign and once as likely benign. Based on the evidence outlined above, the variant was classified as benign.

Ambry Genetics
Classification: Benign for Cardiovascular phenotype. Last evaluated: 2015-07-16. Review status: criteria provided, single submitter. Criteria: Ambry Variant Classification Scheme 2023. Collection method: clinical testing. Allele origin: germline.

GeneDx
Classification: Benign. Last evaluated: 2015-03-03. Review status: criteria provided, single submitter. Criteria: GeneDx Variant Classification Process June 2021. Collection method: clinical testing. Allele origin: germline. Affected: yes.

Biesecker Lab/Clinical Genomics Section, National Institutes of Health
Classification: Benign. Last evaluated: 2013-06-24. Review status: criteria provided, single submitter. Criteria: Ng et al. (Circ Cardiovasc Genet. 2013). Collection method: research. Allele origin: unknown. Observed: 2 variant alleles. Study: ClinSeq.
Comment: The study set was not selected for affection status in relation to any cancer. Pathogenicity categories were based on literature curation. See Pubmed ID:23861362 for details.

Medical sequencing

Breakthrough Genomics
Classification: Likely benign. Review status: criteria provided, single submitter. Criteria: ACMG Guidelines, 2015. Collection method: not provided. Allele origin: germline. Inheritance: Autosomal dominant inheritance. Affected: yes.

Molecular Diagnostic Laboratory for Inherited Cardiovascular Disease, Montreal Heart Institute
Classification: Likely benign. Review status: criteria provided, single submitter. Criteria: ACMG Guidelines, 2015. Collection method: clinical testing. Allele origin: germline. Affected: yes.

NM_005751.5(AKAP9):c.10331A>G (p.Gln3444Arg)

Gene: AKAP9 (A-kinase anchoring protein 9; plus strand). Cytogenetic location: 7q21.2.
Variant type: single nucleotide variant.
Coding change: c.10331A>G on transcript NM_005751.5 (MANE Select); coding-DNA position 10331, A replaced by G.
Protein change: p.Gln3444Arg; replaces glutamine 3444 with arginine.
Molecular consequence: missense variant.
Genome position (GRCh38, 1-based): chr7:92,097,290, A>G. VCF-style: chr7-92097290-A-G. GRCh37 (hg19) VCF-style: chr7-91726604-A-G.
Other names: c.4976A>G, p.Gln1659Arg (NM_001379277.1); c.10307A>G, p.Gln3436Arg (NM_147185.3); short protein forms Q3444R, Q3436R, Q1659R.
Identifiers: ClinVar variation 191556 (VCV000191556.28), dbSNP rs34956633, ClinGen allele CA199864.